The following is an entry in ClinVar:

NM_002691.4(POLD1):c.2226G>T (p.Glu742Asp)

Gene: POLD1 (DNA polymerase delta 1, catalytic subunit; plus strand). Cytogenetic location: 19q13.33.
Variant type: single nucleotide variant.
Coding change: c.2226G>T on transcript NM_002691.4 (MANE Select); coding-DNA position 2226, G replaced by T.
Protein change: p.Glu742Asp; replaces glutamic acid 742 with aspartic acid.
Molecular consequence: missense variant. On other transcripts: non-coding transcript variant (1).
Genome position (GRCh38, 1-based): chr19:50,413,497, G>T. VCF-style: chr19-50413497-G-T. GRCh37 (hg19) VCF-style: chr19-50916754-G-T.
Other names: c.2226G>T, p.Glu742Asp (NM_001256849.1); c.2304G>T, p.Glu768Asp (NM_001308632.1); short protein forms E768D, E742D.
Identifiers: ClinVar variation 2087925 (VCV002087925.4), dbSNP rs2039160824, ClinGen allele CA406983745.
Genomic context (GRCh38, chr19:50,413,497, plus strand): 5'-GTTCGGACGTCAGATGATCGAGAAAACCAAGCAGCTGGTGGAGTCTAAGTACACAGTGGA[G>T]AATGGCTACAGCACCAGTGCCAAGGTCGGGGGCTGCCCACCGCTGCCCTGAGATGGGCCC-3'
Protein context (NP_002682.2, residues 732-752): KQLVESKYTV[Glu742Asp]NGYSTSAKVV

ClinVar aggregate classification (germline): Uncertain significance (1 of 4 stars; one submission).

Conditions:
POLD1-related polyposis and colorectal cancer syndrome (CRCS10). Also called: Colorectal cancer 10; COLORECTAL CANCER, SUSCEPTIBILITY TO, ON CHROMOSOME 19q; Colorectal cancer, susceptibility to, 10. Identifiers: Orphanet 220460, MedGen C2675481, MONDO:0012953, OMIM 612591.

Allele frequency attached by ClinVar (database versions not stated): gnomAD 0.00001.

Submission:

Labcorp Genetics (formerly Invitae), Labcorp
Classification: Uncertain significance for POLD1-related polyposis and colorectal cancer syndrome. Last evaluated: 2022-01-20. Review status: criteria provided, single submitter. Criteria: Invitae Variant Classification Sherloc (09022015). Collection method: clinical testing. Allele origin: germline.
Comment: This variant has not been reported in the literature in individuals affected with POLD1-related conditions. In summary, the available evidence is currently insufficient to determine the role of this variant in disease. Therefore, it has been classified as a Variant of Uncertain Significance. Algorithms developed to predict the effect of missense changes on protein structure and function (SIFT, PolyPhen-2, Align-GVGD) all suggest that this variant is likely to be tolerated. This variant is not present in population databases (gnomAD no frequency). This sequence change replaces glutamic acid, which is acidic and polar, with aspartic acid, which is acidic and polar, at codon 742 of the POLD1 protein (p.Glu742Asp).